The following is an entry in ClinVar:

NM_030631.4(SLC25A21):c.38C>T (p.Ala13Val)

Genes: SLC25A21 (solute carrier family 25 member 21; minus strand), SLC25A21-AS1 (SLC25A21 antisense RNA 1; plus strand). Cytogenetic location: 14q13.3.
Variant type: single nucleotide variant.
Coding change: c.38C>T on transcript NM_030631.4 (MANE Select); coding-DNA position 38, C replaced by T.
Protein change: p.Ala13Val; replaces alanine 13 with valine.
Molecular consequence: missense variant. On other transcripts: non-coding transcript variant (1).
Genome position (GRCh38, 1-based): chr14:37,172,313, G>A on the plus strand (C>T on the coding strand, the complement: SLC25A21 is on the minus strand). VCF-style: chr14-37172313-G-A. GRCh37 (hg19) VCF-style: chr14-37641518-G-A.
Other names: c.38C>T, p.Ala13Val (NM_001171170.2); short protein forms A13V.
Identifiers: ClinVar variation 3011673 (VCV003011673.3), dbSNP rs1193083383, ClinGen allele CA389507891.

ClinVar aggregate classification (germline): Uncertain significance (1 of 4 stars; one submission).

Allele frequency attached by ClinVar (database versions not stated): gnomAD exomes below 0.00001; TOPMed 0.00001.
gnomAD v4.1: 1 of 1,602,910 alleles (0.000062%); highest among the groups gnomAD compares: Admixed American, 0.0017%; no homozygotes.

Submission:

Labcorp Genetics (formerly Invitae), Labcorp
Classification: Uncertain significance. Last evaluated: 2024-04-15. Review status: criteria provided, single submitter. Criteria: Invitae Variant Classification Sherloc (09022015). Collection method: clinical testing. Allele origin: germline.
Comment: This sequence change replaces alanine, which is neutral and non-polar, with valine, which is neutral and non-polar, at codon 13 of the SLC25A21 protein (p.Ala13Val). This variant is present in population databases (no rsID available, gnomAD 0.003%). This variant has not been reported in the literature in individuals affected with SLC25A21-related conditions. An algorithm developed to predict the effect of missense changes on protein structure and function (PolyPhen-2) suggests that this variant is likely to be disruptive. In summary, the available evidence is currently insufficient to determine the role of this variant in disease. Therefore, it has been classified as a Variant of Uncertain Significance.